The following is an entry in ClinVar:

ClinVar aggregate classification (germline): Uncertain significance (1 of 4 stars; one submission).

Conditions:
Hereditary cancer-predisposing syndrome. Also called: Neoplastic Syndromes, Hereditary; Tumor predisposition; Hereditary neoplastic syndrome; Hereditary Cancer Syndrome. Identifiers: Orphanet 140162, MedGen C0027672, MeSH D009386, MONDO:0015356.

Submission:

Ambry Genetics
Classification: Uncertain significance for Hereditary cancer-predisposing syndrome. Last evaluated: 2022-12-02. Review status: criteria provided, single submitter. Criteria: Ambry Variant Classification Scheme 2023. Collection method: clinical testing. Allele origin: germline.
Comment: The p.I532V variant (also known as c.1594A>G), located in coding exon 11 of the BMPR1A gene, results from an A to G substitution at nucleotide position 1594. The isoleucine at codon 532 is replaced by valine, an amino acid with highly similar properties. This amino acid position is well conserved in available vertebrate species. In addition, this alteration is predicted to be tolerated by in silico analysis. Since supporting evidence is limited at this time, the clinical significance of this alteration remains unclear.

NM_004329.3(BMPR1A):c.1594A>G (p.Ile532Val)

Gene: BMPR1A (bone morphogenetic protein receptor type 1A; plus strand). Cytogenetic location: 10q23.2.
Variant type: single nucleotide variant.
Coding change: c.1594A>G on transcript NM_004329.3 (MANE Select); coding-DNA position 1594, A replaced by G.
Protein change: p.Ile532Val; replaces isoleucine 532 with valine.
Molecular consequence: missense variant. On other transcripts: non-coding transcript variant (3).
Genome position (GRCh38, 1-based): chr10:86,923,714, A>G. VCF-style: chr10-86923714-A-G. GRCh37 (hg19) VCF-style: chr10-88683471-A-G.
Other names: c.1669A>G, p.Ile557Val (NM_001406559.1); c.1642A>G, p.Ile548Val (NM_001406560.1); c.1594A>G, p.Ile532Val (NM_001406561.1, NM_001406562.1, NM_001406563.1 and 19 more transcripts); c.1588A>G, p.Ile530Val (NM_001406583.1); c.1510A>G, p.Ile504Val (NM_001406584.1, NM_001406585.1, NM_001406586.1 and 2 more transcripts); c.1252A>G, p.Ile418Val (NM_001406589.1); short protein forms I418V, I530V, I557V, I532V, I504V, I548V.
Identifiers: ClinVar variation 2450269 (VCV002450269.2), dbSNP rs2133626137, ClinGen allele CA377464087.